The following is an entry in ClinVar:

NM_003803.4(MYOM1):c.2047T>C (p.Trp683Arg)

Gene: MYOM1 (myomesin 1; minus strand). Cytogenetic location: 18p11.31.
Variant type: single nucleotide variant.
Coding change: c.2047T>C on transcript NM_003803.4 (MANE Select); coding-DNA position 2047, T replaced by C.
Protein change: p.Trp683Arg; replaces tryptophan 683 with arginine.
Molecular consequence: missense variant.
Genome position (GRCh38, 1-based): chr18:3,135,709, A>G on the plus strand (T>C on the coding strand, the complement: MYOM1 is on the minus strand). VCF-style: chr18-3135709-A-G. GRCh37 (hg19) VCF-style: chr18-3135707-A-G.
Other names: c.2047T>C, p.Trp683Arg (NM_019856.2); short protein forms W683R.
Identifiers: ClinVar variation 4745394 (VCV004745394.1).

ClinVar aggregate classification (germline): Uncertain significance (1 of 4 stars; one submission).

Conditions:
Hypertrophic cardiomyopathy. Also called: HYPERTROPHIC MYOCARDIOPATHY. Identifiers: Orphanet 217569, MedGen C0007194, MeSH D002312, MONDO:0005045, HP:0001639.

Submission:

Labcorp Genetics (formerly Invitae), Labcorp
Classification: Uncertain significance for Hypertrophic cardiomyopathy. Last evaluated: 2025-12-24. Review status: criteria provided, single submitter. Criteria: Invitae Variant Classification Sherloc (09022015). Collection method: clinical testing. Allele origin: germline.
Comment: This sequence change replaces tryptophan, which is neutral and slightly polar, with arginine, which is basic and polar, at codon 683 of the MYOM1 protein (p.Trp683Arg). This variant is not present in population databases (gnomAD no frequency). This variant has not been reported in the literature in individuals affected with MYOM1-related conditions. Invitae Evidence Modeling of protein sequence and biophysical properties (such as structural, functional, and spatial information, amino acid conservation, physicochemical variation, residue mobility, and thermodynamic stability) indicates that this missense variant is expected to disrupt MYOM1 protein function with a positive predictive value of 80%. In summary, the available evidence is currently insufficient to determine the role of this variant in disease. Therefore, it has been classified as a Variant of Uncertain Significance.